The following is an entry in ClinVar:

ClinVar aggregate classification (germline): Pathogenic (1 of 4 stars; one submission).

Submission:

Labcorp Genetics (formerly Invitae), Labcorp
Classification: Pathogenic. Last evaluated: 2025-05-13. Review status: criteria provided, single submitter. Criteria: Invitae Variant Classification Sherloc (09022015). Collection method: clinical testing. Allele origin: germline.
Comment: This sequence change creates a premature translational stop signal (p.Gly1395*) in the C5 gene. It is expected to result in an absent or disrupted protein product. Loss-of-function variants in C5 are known to be pathogenic (PMID: 7730648, 19414197, 27026170). This variant is not present in population databases (gnomAD no frequency). This variant has not been reported in the literature in individuals affected with C5-related conditions. Algorithms developed to predict the effect of sequence changes on RNA splicing suggest that this variant may disrupt the consensus splice site. For these reasons, this variant has been classified as Pathogenic.

Literature cited by the submitters: PubMed 7730648; PubMed 19414197; PubMed 27026170.

NM_001735.3(C5):c.4183G>T (p.Gly1395Ter)

Gene: C5 (complement C5; minus strand). Cytogenetic location: 9q33.2.
Variant type: single nucleotide variant.
Coding change: c.4183G>T on transcript NM_001735.3 (MANE Select); coding-DNA position 4183, G replaced by T.
Protein change: p.Gly1395Ter; replaces glycine 1395 with a stop codon.
Molecular consequence: nonsense.
Genome position (GRCh38, 1-based): chr9:120,969,098, C>A on the plus strand (G>T on the coding strand, the complement: C5 is on the minus strand). VCF-style: chr9-120969098-C-A. GRCh37 (hg19) VCF-style: chr9-123731376-C-A.
Other names: c.4201G>T, p.Gly1401Ter (NM_001317163.2); short protein forms G1395*, G1401*.
Identifiers: ClinVar variation 4719543 (VCV004719543.1).